The following is an entry in ClinVar:

NM_001019.5(RPS15A):c.114C>T (p.Leu38=)

Gene: RPS15A (ribosomal protein S15a; minus strand). Cytogenetic location: 16p12.3.
Variant type: single nucleotide variant.
Coding change: c.114C>T on transcript NM_001019.5 (MANE Select); coding-DNA position 114, C replaced by T.
Protein change: p.Leu38=; no amino-acid change (leucine 38 retained).
Molecular consequence: synonymous variant.
Genome position (GRCh38, 1-based): chr16:18,789,000, G>A on the plus strand (C>T on the coding strand, the complement: RPS15A is on the minus strand). VCF-style: chr16-18789000-G-A. GRCh37 (hg19) VCF-style: chr16-18800322-G-A.
Other names: c.114C>T, p.Leu38= (NM_001030009.2).
Identifiers: ClinVar variation 2646266 (VCV002646266.27), dbSNP rs764135318, ClinGen allele CA7929340.

ClinVar aggregate classification (germline): Likely benign. Review status: criteria provided, multiple submitters, no conflicts (2 of 4 stars). 3 submissions from 3 submitters: Likely benign (3). Last evaluated 2025-06-26.

Allele frequency attached by ClinVar (database versions not stated): ExAC 0.00005; gnomAD 0.00005; TOPMed 0.00005; gnomAD exomes 0.00007.
gnomAD v4.1: 119 of 1,613,214 alleles (0.0074%); highest among the groups gnomAD compares: Non-Finnish European, 0.0089%; no homozygotes.

Submissions (3):

Labcorp Genetics (formerly Invitae), Labcorp
Classification: Likely benign. Last evaluated: 2025-06-26. Review status: criteria provided, single submitter. Criteria: Invitae Variant Classification Sherloc (09022015). Collection method: clinical testing. Allele origin: germline.

CeGaT Center for Human Genetics Tuebingen
Classification: Likely benign. Last evaluated: 2023-08-01. Review status: criteria provided, single submitter. Criteria: CeGaT Center For Human Genetics Tuebingen Variant Classification Criteria Version 2. Collection method: clinical testing. Allele origin: germline. Affected: yes. Observed: 1 variant allele.
Comment: RPS15A: BP4, BP7

Blueprint Genetics
Classification: Likely benign. Last evaluated: 2022-06-29. Review status: criteria provided, single submitter. Criteria: ACMG Guidelines, 2015. Collection method: clinical testing. Allele origin: germline.